The following is an entry in ClinVar:

ClinVar aggregate classification (germline): Conflicting classifications of pathogenicity. Review status: criteria provided, conflicting classifications (1 of 4 stars). 2 submissions from 2 submitters: Uncertain significance (1); Likely benign (1). Last evaluated 2026-06-09.

Conditions:
Tumor predisposition syndrome 2 (TPDS2). Also called: MBD4-ASSOCIATED NEOPLASIA SYNDROME; MBD4-Related Tumor Predisposition Syndrome; MBD4-associated neoplasia syndrome (MANS). Identifiers: Orphanet 661526, MedGen C5774186, MONDO:0859267, OMIM 619975.

Allele frequency attached by ClinVar (database versions not stated): TOPMed below 0.00001; ExAC 0.00001; gnomAD 0.00001; gnomAD exomes 0.00002.

Submissions (2):

Myriad Genetics, Inc.
Classification: Likely benign for Tumor predisposition syndrome 2. Last evaluated: 2026-06-09. Review status: criteria provided, single submitter. Criteria: Myriad Autosomal Dominant, Autosomal Recessive and X-Linked Classification Criteria (2023). Collection method: clinical testing. Allele origin: unknown.
Comment: This variant is considered likely benign. This variant is intronic and is not expected to impact mRNA splicing.

Labcorp Genetics (formerly Invitae), Labcorp
Classification: Uncertain significance. Last evaluated: 2026-01-07. Review status: criteria provided, single submitter. Criteria: Invitae Variant Classification Sherloc (09022015). Collection method: clinical testing. Allele origin: germline.
Comment: This sequence change falls in intron 7 of the MBD4 gene. It does not directly change the encoded amino acid sequence of the MBD4 protein. This variant is present in population databases (rs757249272, gnomAD 0.0009%). This variant has not been reported in the literature in individuals affected with MBD4-related conditions. ClinVar contains an entry for this variant (Variation ID: 2867570). Algorithms developed to predict the effect of sequence changes on RNA splicing suggest that this variant may disrupt the consensus splice site. In summary, the available evidence is currently insufficient to determine the role of this variant in disease. Therefore, it has been classified as a Variant of Uncertain Significance.

NM_001276270.2(MBD4):c.1648-12T>C

Gene: MBD4 (methyl-CpG binding domain 4, DNA glycosylase; minus strand). Cytogenetic location: 3q21.3.
Variant type: single nucleotide variant.
Coding change: c.1648-12T>C on transcript NM_001276270.2 (MANE Select); 12 bases into the intron before coding-DNA position 1648, T replaced by C.
Molecular consequence: intron variant.
Genome position (GRCh38, 1-based): chr3:129,431,590, A>G on the plus strand (T>C on the coding strand, the complement: MBD4 is on the minus strand). VCF-style: chr3-129431590-A-G. GRCh37 (hg19) VCF-style: chr3-129150433-A-G.
Other names: c.712-12T>C (NM_001276273.2); c.1613-12T>C (NM_001276272.2); c.1666-12T>C (NM_003925.3).
Identifiers: ClinVar variation 2867570 (VCV002867570.4), dbSNP rs757249272, ClinGen allele CA2605218.